The following is an entry in ClinVar:

ClinVar aggregate classification (germline): Uncertain significance (1 of 4 stars; one submission).

Conditions:
ABCC12-related condition.

gnomAD v4.1: 194 of 1,614,152 alleles (0.012%); highest among the groups gnomAD compares: African/African-American, 0.17%; 1 homozygote.

Submission:

PreventionGenetics, part of Exact Sciences
Classification: Uncertain significance for ABCC12-related condition. Last evaluated: 2026-06-29. Review status: criteria provided, single submitter. Criteria: ACMG Guidelines, 2015. Collection method: clinical testing. Allele origin: germline.
Comment: The ABCC12 c.2599G>A variant is predicted to result in the amino acid substitution p.Val867Ile. To our knowledge, this variant has not been reported in the literature. This variant is reported in 0.17% of alleles in individuals of African descent in gnomAD. At this time, the clinical significance of this variant is uncertain due to the absence of conclusive functional and genetic evidence.

NM_001393797.1(ABCC12):c.2599G>A (p.Val867Ile)

Gene: ABCC12 (ATP binding cassette subfamily C member 12; minus strand). Cytogenetic location: 16q12.1.
Variant type: single nucleotide variant.
Coding change: c.2599G>A on transcript NM_001393797.1 (MANE Select); coding-DNA position 2599, G replaced by A.
Protein change: p.Val867Ile; replaces valine 867 with isoleucine.
Molecular consequence: missense variant. On other transcripts: non-coding transcript variant (6).
Genome position (GRCh38, 1-based): chr16:48,105,213, C>T on the plus strand (G>A on the coding strand, the complement: ABCC12 is on the minus strand). VCF-style: chr16-48105213-C-T. GRCh37 (hg19) VCF-style: chr16-48139124-C-T.
Other names: c.2599G>A, p.Val867Ile (NM_033226.3); short protein forms V867I.
Identifiers: ClinVar variation 4979925 (VCV004979925.1).